The following is an entry in ClinVar:

ClinVar aggregate classification (germline): Uncertain significance. Review status: criteria provided, multiple submitters, no conflicts (2 of 4 stars). 2 submissions from 2 submitters: Uncertain significance (2). Last evaluated 2025-11-11.

Conditions:
Catecholaminergic polymorphic ventricular tachycardia 1. Also called: VENTRICULAR TACHYCARDIA, CATECHOLAMINERGIC POLYMORPHIC, 1, WITH OR WITHOUT ATRIAL DYSFUNCTION AND/OR DILATED CARDIOMYOPATHY; VENTRICULAR TACHYCARDIA, STRESS-INDUCED POLYMORPHIC 1; RYR2-Related Catecholaminergic Polymorphic Ventricular Tachycardia. Identifiers: Orphanet 3286, MedGen C1631597, MONDO:0011484, OMIM 604772.
Cardiovascular phenotype. Identifiers: MedGen CN230736.

Allele frequency attached by ClinVar (database versions not stated): gnomAD exomes below 0.00001.
gnomAD v4.1: 3 of 1,607,726 alleles (0.00019%); highest among the groups gnomAD compares: Non-Finnish European, 0.00017%; no homozygotes.

Submissions (2):

Labcorp Genetics (formerly Invitae), Labcorp
Classification: Uncertain significance for Catecholaminergic polymorphic ventricular tachycardia 1. Last evaluated: 2025-11-11. Review status: criteria provided, single submitter. Criteria: Invitae Variant Classification Sherloc (09022015). Collection method: clinical testing. Allele origin: germline.
Comment: This sequence change falls in intron 43 of the RYR2 gene. It does not directly change the encoded amino acid sequence of the RYR2 protein. It affects a nucleotide within the consensus splice site. This variant is not present in population databases (gnomAD no frequency). This variant has not been reported in the literature in individuals affected with RYR2-related conditions. ClinVar contains an entry for this variant (Variation ID: 1754883). Variants that disrupt the consensus splice site are a relatively common cause of aberrant splicing (PMID: 17576681, 9536098). Algorithms developed to predict the effect of sequence changes on RNA splicing suggest that this variant is not likely to affect RNA splicing. In summary, the available evidence is currently insufficient to determine the role of this variant in disease. Therefore, it has been classified as a Variant of Uncertain Significance.

Ambry Genetics
Classification: Uncertain significance for Cardiovascular phenotype. Last evaluated: 2019-05-07. Review status: criteria provided, single submitter. Criteria: Ambry Variant Classification Scheme 2023. Collection method: clinical testing. Allele origin: germline.
Comment: The c.6688+3A>G intronic variant results from an A to G substitution 3 nucleotides after coding exon 43 in the RYR2 gene. This nucleotide position is not well conserved in available vertebrate species. Using the BDGP and ESEfinder splice site prediction tools, this alteration is not predicted to have any significant effect on this splice donor site; however, direct evidence is unavailable. Since supporting evidence is limited at this time, the clinical significance of this alteration remains unclear.

Literature cited by the submitters: PubMed 17576681 (cited by Labcorp Genetics (formerly Invitae), Labcorp); PubMed 9536098 (cited by Labcorp Genetics (formerly Invitae), Labcorp).

NM_001035.3(RYR2):c.6688+3A>G

Gene: RYR2 (ryanodine receptor 2; plus strand). Cytogenetic location: 1q43.
Variant type: single nucleotide variant.
Coding change: c.6688+3A>G on transcript NM_001035.3 (MANE Select); 3 bases into the intron after coding-DNA position 6688, A replaced by G.
Molecular consequence: intron variant.
Genome position (GRCh38, 1-based): chr1:237,633,713, A>G. VCF-style: chr1-237633713-A-G. GRCh37 (hg19) VCF-style: chr1-237797013-A-G.
Identifiers: ClinVar variation 1754883 (VCV001754883.3), dbSNP rs2546927223, ClinGen allele CA2580062429.